The following is an entry in ClinVar:

ClinVar aggregate classification (germline): Uncertain significance (1 of 4 stars; one submission).

Conditions:
Hereditary cancer-predisposing syndrome. Also called: Hereditary neoplastic syndrome; Hereditary Cancer Syndrome; Neoplastic Syndromes, Hereditary; Tumor predisposition. Identifiers: Orphanet 140162, MedGen C0027672, MeSH D009386, MONDO:0015356.

Submission:

Ambry Genetics
Classification: Uncertain significance for Hereditary cancer-predisposing syndrome. Last evaluated: 2023-06-12. Review status: criteria provided, single submitter. Criteria: Ambry Variant Classification Scheme 2023. Collection method: clinical testing. Allele origin: germline.
Comment: The p.R191G variant (also known as c.571A>G), located in coding exon 2 of the BLM gene, results from an A to G substitution at nucleotide position 571. The arginine at codon 191 is replaced by glycine, an amino acid with dissimilar properties. This amino acid position is conserved. In addition, this alteration is predicted to be tolerated by in silico analysis. Since supporting evidence is limited at this time, the clinical significance of this alteration remains unclear.

NM_000057.4(BLM):c.571A>G (p.Arg191Gly)

Gene: BLM (BLM RecQ like helicase; plus strand). Cytogenetic location: 15q26.1.
Variant type: single nucleotide variant.
Coding change: c.571A>G on transcript NM_000057.4 (MANE Select); coding-DNA position 571, A replaced by G.
Protein change: p.Arg191Gly; replaces arginine 191 with glycine.
Molecular consequence: missense variant. On other transcripts: 5 prime UTR variant (1).
Genome position (GRCh38, 1-based): chr15:90,749,839, A>G. VCF-style: chr15-90749839-A-G. GRCh37 (hg19) VCF-style: chr15-91293069-A-G.
Other names: c.571A>G, p.Arg191Gly (NM_001287246.2, NM_001287247.2); c.-721A>G (NM_001287248.2); short protein forms R191G.
Identifiers: ClinVar variation 2566854 (VCV002566854.2), dbSNP rs2505393411, ClinGen allele CA393841076.